The following is an entry in ClinVar:

ClinVar aggregate classification (germline): Uncertain significance. Review status: criteria provided, multiple submitters, no conflicts (2 of 4 stars). 3 submissions from 3 submitters: Uncertain significance (3). Last evaluated 2024-09-30.

Conditions:
Inborn genetic diseases. Identifiers: MedGen C0950123, MeSH D030342.

Allele frequency attached by ClinVar (database versions not stated): gnomAD exomes 0.00006; gnomAD 0.00008; ExAC 0.00010; TOPMed 0.00011; 1000 Genomes Project 0.00040; 1000 Genomes Project 30x 0.00047.
gnomAD v4.1: 51 of 1,612,652 alleles (0.0032%); highest among the groups gnomAD compares: African/African-American, 0.027%; no homozygotes.

Submissions (3):

Labcorp Genetics (formerly Invitae), Labcorp
Classification: Uncertain significance. Last evaluated: 2024-09-30. Review status: criteria provided, single submitter. Criteria: Invitae Variant Classification Sherloc (09022015). Collection method: clinical testing. Allele origin: germline.
Comment: This sequence change replaces threonine, which is neutral and polar, with methionine, which is neutral and non-polar, at codon 243 of the GNB3 protein (p.Thr243Met). The frequency data for this variant in the population databases is considered unreliable, as metrics indicate poor data quality at this position in the gnomAD database. This variant has not been reported in the literature in individuals affected with GNB3-related conditions. ClinVar contains an entry for this variant (Variation ID: 842580). Invitae Evidence Modeling of protein sequence and biophysical properties (such as structural, functional, and spatial information, amino acid conservation, physicochemical variation, residue mobility, and thermodynamic stability) indicates that this missense variant is expected to disrupt GNB3 protein function with a positive predictive value of 80%. In summary, the available evidence is currently insufficient to determine the role of this variant in disease. Therefore, it has been classified as a Variant of Uncertain Significance.

Ambry Genetics
Classification: Uncertain significance for Inborn genetic diseases. Last evaluated: 2024-06-16. Review status: criteria provided, single submitter. Criteria: Ambry Variant Classification Scheme 2023. Collection method: clinical testing. Allele origin: germline.

Blueprint Genetics
Classification: Uncertain significance. Last evaluated: 2023-04-28. Review status: criteria provided, single submitter. Criteria: ACMG Guidelines, 2015. Collection method: clinical testing. Allele origin: germline.

NM_002075.4(GNB3):c.728C>T (p.Thr243Met)

Genes: CDCA3 (cell division cycle associated 3; minus strand), GNB3 (G protein subunit beta 3; plus strand). Cytogenetic location: 12p13.31.
Variant type: single nucleotide variant.
Coding change: c.728C>T on transcript NM_002075.4 (MANE Select); coding-DNA position 728, C replaced by T.
Protein change: p.Thr243Met; replaces threonine 243 with methionine.
Molecular consequence: missense variant.
Genome position (GRCh38, 1-based): chr12:6,845,614, C>T. VCF-style: chr12-6845614-C-T. GRCh37 (hg19) VCF-style: chr12-6954778-C-T.
Other names: c.725C>T, p.Thr242Met (NM_001297571.2); c.728C>T (NM_002075.2); short protein forms T243M, T242M.
Identifiers: ClinVar variation 842580 (VCV000842580.10), dbSNP rs200144483, ClinGen allele CA6417652.